The following is an entry in ClinVar:

ClinVar aggregate classification (germline): Uncertain significance (1 of 4 stars; one submission).

Conditions:
Spastic paraplegia. Identifiers: MedGen C0037772, HP:0001258.

Submission:

Labcorp Genetics (formerly Invitae), Labcorp
Classification: Uncertain significance for Spastic paraplegia. Last evaluated: 2024-12-08. Review status: criteria provided, single submitter. Criteria: Invitae Variant Classification Sherloc (09022015). Collection method: clinical testing. Allele origin: germline.
Comment: This sequence change replaces glycine, which is neutral and non-polar, with aspartic acid, which is acidic and polar, at codon 398 of the KDM5C protein (p.Gly398Asp). This variant is not present in population databases (gnomAD no frequency). This variant has not been reported in the literature in individuals affected with KDM5C-related conditions. Invitae Evidence Modeling of protein sequence and biophysical properties (such as structural, functional, and spatial information, amino acid conservation, physicochemical variation, residue mobility, and thermodynamic stability) indicates that this missense variant is expected to disrupt KDM5C protein function with a positive predictive value of 80%. In summary, the available evidence is currently insufficient to determine the role of this variant in disease. Therefore, it has been classified as a Variant of Uncertain Significance.

NM_004187.5(KDM5C):c.1193G>A (p.Gly398Asp)

Gene: KDM5C (lysine demethylase 5C; minus strand). Cytogenetic location: Xp11.22.
Variant type: single nucleotide variant.
Coding change: c.1193G>A on transcript NM_004187.5 (MANE Select); coding-DNA position 1193, G replaced by A.
Protein change: p.Gly398Asp; replaces glycine 398 with aspartic acid.
Molecular consequence: missense variant. On other transcripts: non-coding transcript variant (3).
Genome position (GRCh38, 1-based): chrX:53,211,836, C>T on the plus strand (G>A on the coding strand, the complement: KDM5C is on the minus strand). VCF-style: chrX-53211836-C-T. GRCh37 (hg19) VCF-style: chrX-53241018-C-T.
Other names: c.992G>A, p.Gly331Asp (NM_001146702.2); c.1190G>A, p.Gly397Asp (NM_001282622.3, NM_001353979.2, NM_001353982.2); c.1193G>A, p.Gly398Asp (NM_001353978.3, NM_001353981.2, NM_001353984.2); short protein forms G331D, G397D, G398D.
Identifiers: ClinVar variation 3640062 (VCV003640062.2).
Genomic context (GRCh38, chrX:53,211,836, plus strand): 5'-CCATCACCTACATGCACGGGCATGTTGAAGTAGTCAGCTTTAAAGGAGTCGGCCATCTCG[C>T]CAAAGCTCTGCAGAGTGTATTCCCGGGTAGCCTGCTCAAAGCCAAAGGCTTCTGGGGGCC-3'
Protein context (NP_004178.2, residues 388-408): ATREYTLQSF[Gly398Asp]EMADSFKADY